The following is an entry in ClinVar:

NM_001042492.3(NF1):c.6242T>G (p.Leu2081Ter)

Gene: NF1 (neurofibromin 1; plus strand). Cytogenetic location: 17q11.2.
Variant type: single nucleotide variant.
Coding change: c.6242T>G on transcript NM_001042492.3 (MANE Select); coding-DNA position 6242, T replaced by G.
Protein change: p.Leu2081Ter; replaces leucine 2081 with a stop codon.
Molecular consequence: nonsense.
Genome position (GRCh38, 1-based): chr17:31,336,729, T>G. VCF-style: chr17-31336729-T-G. GRCh37 (hg19) VCF-style: chr17-29663747-T-G.
Other names: c.6179T>G, p.Leu2060Ter (NM_000267.4); short protein forms L2060*, L2081*.
Identifiers: ClinVar variation 3640273 (VCV003640273.3).
Genomic context (GRCh38, chr17:31,336,729, plus strand): 5'-CATGCTTATCTCCAACTCCTACTTTAGAACAACATCTTATGTGGGATGATATTGCTATTT[T>G]AGCACGCTACATGCTGATGCTGTCCTTCAACAATTCCCTTGATGTGGCAGCTCATCTTCC-3'

ClinVar aggregate classification (germline): Pathogenic. Review status: criteria provided, multiple submitters, no conflicts (2 of 4 stars). 2 submissions from 2 submitters: Pathogenic (2). Last evaluated 2026-07-10.

Conditions:
Neurofibromatosis, type 1 (NF1). Also called: Peripheral type neurofibromatosis; VON RECKLINGHAUSEN DISEASE; NEUROFIBROMATOSIS, TYPE I, SOMATIC; Neurofibromatosis, type I. Identifiers: Orphanet 636, MedGen C0027831, MONDO:0018975, OMIM 162200. Disease mechanism: loss of function.
Hereditary cancer-predisposing syndrome. Also called: Hereditary neoplastic syndrome; Neoplastic Syndromes, Hereditary; Tumor predisposition; Hereditary Cancer Syndrome. Identifiers: Orphanet 140162, MedGen C0027672, MeSH D009386, MONDO:0015356.
Cardiovascular phenotype. Identifiers: MedGen CN230736.

Submissions (2):

Ambry Genetics
Classification: Pathogenic for Cardiovascular phenotype; Hereditary cancer-predisposing syndrome. Last evaluated: 2026-07-10. Review status: criteria provided, single submitter. Criteria: Ambry Variant Classification Scheme 2023. Collection method: clinical testing. Allele origin: germline.
Comment: The p.L2060* pathogenic mutation (also known as c.6179T>G), located in coding exon 41 of the NF1 gene, results from a T to G substitution at nucleotide position 6179. This changes the amino acid from a leucine to a stop codon within coding exon 41. This variant was reported in individual(s) with features consistent with neurofibromatosis type 1 (NF1); in at least one individual, it was determined to be de novo (Chelleri C et al. Front Pediatr, 2023 Feb;11:1051026; Ambry internal data). This variant is considered to be rare based on population cohorts in the Genome Aggregation Database (gnomAD). This alteration is expected to result in loss of function by premature protein truncation or nonsense-mediated mRNA decay. As such, this alteration is interpreted as a disease-causing mutation.

Labcorp Genetics (formerly Invitae), Labcorp
Classification: Pathogenic for Neurofibromatosis, type 1. Last evaluated: 2024-02-12. Review status: criteria provided, single submitter. Criteria: Invitae Variant Classification Sherloc (09022015). Collection method: clinical testing. Allele origin: germline.
Comment: This sequence change creates a premature translational stop signal (p.Leu2060*) in the NF1 gene. It is expected to result in an absent or disrupted protein product. Loss-of-function variants in NF1 are known to be pathogenic (PMID: 10712197, 23913538). This variant is not present in population databases (gnomAD no frequency). This variant has not been reported in the literature in individuals affected with NF1-related conditions. For these reasons, this variant has been classified as Pathogenic.

Literature cited by the submitters: PubMed 36923276 (cited by Ambry Genetics); PubMed 10712197 (cited by Labcorp Genetics (formerly Invitae), Labcorp); PubMed 23913538 (cited by Labcorp Genetics (formerly Invitae), Labcorp).